The following is an entry in ClinVar:

ClinVar aggregate classification (germline): Benign/Likely benign. Review status: criteria provided, multiple submitters, no conflicts (2 of 4 stars). 2 submissions from 2 submitters: Benign (1); Likely benign (1). Last evaluated 2025-01-22.

Conditions:
Familial cancer of breast. Also called: hereditary breast carcinoma; Hereditary breast cancer; BREAST CANCER, FAMILIAL. Identifiers: Orphanet 227535, MedGen C0346153, MONDO:0016419, OMIM 114480. Disease mechanism: loss of function.

Submissions (2):

Myriad Genetics, Inc.
Classification: Benign for Familial cancer of breast. Last evaluated: 2025-01-22. Review status: criteria provided, single submitter. Criteria: Myriad Autosomal Dominant, Autosomal Recessive and X-Linked Classification Criteria (2023). Collection method: clinical testing. Allele origin: unknown.
Comment: This variant is considered benign. This variant is a silent/synonymous amino acid change and it is not expected to impact splicing.

Labcorp Genetics (formerly Invitae), Labcorp
Classification: Likely benign for Familial cancer of breast. Last evaluated: 2023-07-25. Review status: criteria provided, single submitter. Criteria: Invitae Variant Classification Sherloc (09022015). Collection method: clinical testing. Allele origin: germline.

NM_024675.4(PALB2):c.3255G>A (p.Leu1085=)

Gene: PALB2 (partner and localizer of BRCA2; minus strand). Cytogenetic location: 16p12.2.
Variant type: single nucleotide variant.
Coding change: c.3255G>A on transcript NM_024675.4 (MANE Select); coding-DNA position 3255, G replaced by A.
Protein change: p.Leu1085=; no amino-acid change (leucine 1085 retained).
Molecular consequence: synonymous variant. On other transcripts: intron variant (8).
Genome position (GRCh38, 1-based): chr16:23,607,959, C>T on the plus strand (G>A on the coding strand, the complement: PALB2 is on the minus strand). VCF-style: chr16-23607959-C-T. GRCh37 (hg19) VCF-style: chr16-23619280-C-T.
Other names: c.3195G>A, p.Leu1065= (NM_001407296.1); c.3183G>A, p.Leu1061= (NM_001407297.1); c.3093G>A, p.Leu1031= (NM_001407298.1); c.2976G>A, p.Leu992= (NM_001407300.1); c.2370G>A, p.Leu790= (NM_001407304.1, NM_001407305.1, NM_001407306.1); c.2208G>A, p.Leu736= (NM_001407307.1); c.1467G>A, p.Leu489= (NM_001407312.1); c.789G>A, p.Leu263= (NM_001407314.1); and 6 more.
Identifiers: ClinVar variation 2918003 (VCV002918003.4), dbSNP rs45486891, ClinGen allele CA279527513.
Genomic context (GRCh38, chr16:23,607,959, plus strand): 5'-CACACCCACGCTGAGAGTCGTCTTAGGGTTAATCACAATGAGCTGAAACACAGGGCTTCG[C>T]AACGACTCACTCTCTTTGGCACAGGGATGACTCAGGACAATAAAGAGAAGCCCCTAATTT-3'
Protein context (NP_078951.2, residues 1075-1095): SHPCAKESES[Leu1085=]RSPVFQLIVI